The following is an entry in ClinVar:

NM_000041.4(APOE):c.43+31dup

Gene: APOE (apolipoprotein E; plus strand). Cytogenetic location: 19q13.32.
Variant type: Duplication.
Coding change: c.43+31dup on transcript NM_000041.4 (MANE Select); 31 bases into the intron after coding-DNA position 43, one base duplicated (C; older notation c.43+31dupC).
Molecular consequence: intron variant.
Genome position (GRCh38, 1-based): chr19:44,906,698, C duplicated; the last of 6 consecutive C bases (chr19:44,906,693-44,906,698); duplicating any one gives the same sequence. VCF-style (leftmost placement, unchanged base first): chr19-44906692-T-TC. GRCh37 (hg19) VCF-style: chr19-45409949-T-TC.
Other names: c.121+31dup (NM_001302688.2); c.43+31dup (NM_001302691.2, NM_001302689.2, NM_001302690.2).
Identifiers: ClinVar variation 5042639 (VCV005042639.1).
Genomic context (GRCh38, chr19:44,906,692, plus strand): 5'-TTCTGTGGGCTGCGTTGCTGGTCACATTCCTGGCAGGTATGGGGGCGGGGCTTGCTCGGT[T>TC]CCCCCCGCTCCTCCCCCTCTCATCCTCACCTCAACCTCCTGGCCCCATTCAGGCAGACCC-3'

ClinVar aggregate classification (germline): Likely benign (1 of 4 stars; one submission).

Conditions:
Familial hypercholesterolemia. Also called: Familial hypercholesterolemias; Familial hypercholesterolaemia. Identifiers: MedGen C0020445, MONDO:0005439.

Submission:

Cambridge Genomics Laboratory, East Genomic Laboratory Hub, NHS Genomic Medicine Service
Classification: Likely benign for Familial hypercholesterolaemia. Last evaluated: 2026-10-12. Review status: criteria provided, single submitter. Criteria: ACGS Best Practice Guidelines for Variant Classification in Rare Disease 2020. Collection method: clinical testing. Allele origin: germline. Affected: yes.
Comment: BS1_Strong,BP4